The following is an entry in ClinVar:

ClinVar aggregate classification (germline): Uncertain significance (1 of 4 stars; one submission).

Submission:

GeneDx
Classification: Uncertain significance. Last evaluated: 2024-11-18. Review status: criteria provided, single submitter. Criteria: GeneDx Variant Classification Process June 2021. Collection method: clinical testing. Allele origin: germline. Affected: yes.
Comment: Not observed at significant frequency in large population cohorts (gnomAD); In silico analysis supports that this missense variant has a deleterious effect on protein structure/function; Has not been previously published as pathogenic or benign to our knowledge

NM_001371986.1(UNC80):c.6496C>G (p.Arg2166Gly)

Gene: UNC80 (unc-80 homolog, NALCN channel complex subunit; plus strand). Cytogenetic location: 2q34.
Variant type: single nucleotide variant.
Coding change: c.6496C>G on transcript NM_001371986.1 (MANE Select); coding-DNA position 6496, C replaced by G.
Protein change: p.Arg2166Gly; replaces arginine 2166 with glycine.
Molecular consequence: missense variant.
Genome position (GRCh38, 1-based): chr2:209,939,502, C>G. VCF-style: chr2-209939502-C-G. GRCh37 (hg19) VCF-style: chr2-210804226-C-G.
Other names: c.6298C>G, p.Arg2100Gly (NM_032504.2); c.6283C>G, p.Arg2095Gly (NM_182587.4); short protein forms R2095G, R2100G, R2166G.
Identifiers: ClinVar variation 3899814 (VCV003899814.1).